The following is an entry in ClinVar:

ClinVar aggregate classification (germline): Uncertain significance. Review status: criteria provided, multiple submitters, no conflicts (2 of 4 stars). 2 submissions from 2 submitters: Uncertain significance (2). Last evaluated 2025-08-08.

Conditions:
Neurodevelopmental disorder with or without variable brain abnormalities; NEDBA. Also called: NEURODEVELOPMENTAL DISORDER WITH OR WITHOUT VARIABLE BRAIN ABNORMALITIES. Identifiers: MedGen C5193102, MONDO:0032755, OMIM 618443.
Inborn genetic diseases. Identifiers: MedGen C0950123, MeSH D030342.

gnomAD v4.1: 9 of 1,611,236 alleles (0.00056%); highest among the groups gnomAD compares: Admixed American, 0.0017%; no homozygotes.

Submissions (2):

Ambry Genetics
Classification: Uncertain significance for Inborn genetic diseases. Last evaluated: 2025-08-08. Review status: criteria provided, single submitter. Criteria: Ambry Variant Classification Scheme 2023. Collection method: clinical testing. Allele origin: germline.

Pittsburgh Clinical Genomics Laboratory, University of Pittsburgh Medical Center
Classification: Uncertain significance for Neurodevelopmental disorder with or without variable brain abnormalities; NEDBA. Last evaluated: 2024-01-24. Review status: criteria provided, single submitter. Criteria: ACMG Guidelines, 2015. Collection method: clinical testing. Allele origin: germline. Inheritance: Autosomal dominant inheritance. Affected: yes.
Comment: This sequence variant is a single nucleotide substitution (G>A) at position 3415 of the coding sequence of the MAPK8IP3 gene that results in a valine to isoleucine amino acid change at residue 1139 of the mitogen-activated protein kinase 8 interacting protein 3 protein. The 1139 residue falls in a WD40 domain (PMID: 30612693). This variant is absent from ClinVar and has not been observed in an individual with a MAPK8IP3-related disorder in the published literature, to our knowledge. This variant is present in 1 of 247088 alleles (0.0004%) in the gnomAD population dataset. Multiple bioinformatic tools predict that this valine to isoleucine amino acid change would be damaging, and the Val1139 residue at this position is highly conserved across the vertebrate species examined. Studies examining the functional consequence of this variant have not been published, to our knowledge. At this time, there is insufficient evidence to determine if this variant is pathogenic or benign. Therefore, we consider this a variant of uncertain significance. ACMG Criteria: PM2, PP2, PP3

Literature cited by the submitters: PubMed 30612693 (cited by Pittsburgh Clinical Genomics Laboratory, University of Pittsburgh Medical Center).

NM_001318852.2(MAPK8IP3):c.3436G>A (p.Val1146Ile)

Gene: MAPK8IP3 (mitogen-activated protein kinase 8 interacting protein 3; plus strand). Cytogenetic location: 16p13.3.
Variant type: single nucleotide variant.
Coding change: c.3436G>A on transcript NM_001318852.2 (MANE Select); coding-DNA position 3436, G replaced by A.
Protein change: p.Val1146Ile; replaces valine 1146 with isoleucine.
Molecular consequence: missense variant.
Genome position (GRCh38, 1-based): chr16:1,767,831, G>A. VCF-style: chr16-1767831-G-A. GRCh37 (hg19) VCF-style: chr16-1817832-G-A.
Other names: c.3433G>A (NM_015133.3); c.3415G>A, p.Val1139Ile (NM_001040439.2); c.3433G>A, p.Val1145Ile (NM_015133.5); short protein forms V1139I, V1145I, V1146I.
Identifiers: ClinVar variation 3376425 (VCV003376425.2).
Genomic context (GRCh38, chr16:1,767,831, plus strand): 5'-CAAGGCCAGCCACCCTGACCGCTCTCCCCCACAGGCACTGGCAAGCTGGGTTTCTCCTTC[G>A]TACGCATCACGGCCCTGCTTGTCGCGGGCAGCCGGCTCTGGGTGGGCACCGGCAACGGAG-3'
Protein context (NP_001305781.1, residues 1136-1156): LGTGKLGFSF[Val1146Ile]RITALLVAGS